The following is an entry in ClinVar:

NM_000154.2(GALK1):c.410del (p.Gly137fs)

Gene: GALK1 (galactokinase 1; minus strand). Cytogenetic location: 17q25.1.
Variant type: Deletion.
Coding change: c.410del on transcript NM_000154.2 (MANE Select); coding-DNA position 410, one base deleted (G; older notation c.410delG).
Protein change: p.Gly137fs; shifts the reading frame from glycine 137.
Molecular consequence: frameshift variant.
Genome position (GRCh38, 1-based): chr17:75,763,385, C deleted on the plus strand (G on the coding strand, the reverse complement: GALK1 is on the minus strand); the first of 6 consecutive C bases (chr17:75,763,385-75,763,390); deleting any one gives the same sequence. VCF-style (leftmost placement, unchanged base first): chr17-75763384-AC-A. GRCh37 (hg19) VCF-style: chr17-73759465-AC-A.
Other names: c.410del (NM_000154.1); short protein forms G137fs.
Identifiers: ClinVar variation 552633 (VCV000552633.45), dbSNP rs767329054, ClinGen allele CA645599111.

ClinVar aggregate classification (germline): Pathogenic. Review status: criteria provided, multiple submitters, no conflicts (2 of 4 stars). 7 submissions from 7 submitters: Pathogenic (6). 1 of the submissions does not count toward it. Last evaluated 2025-10-25.

Conditions:
Deficiency of galactokinase. Also called: GALACTOSEMIA II; Galactokinase deficiency with cataracts. Identifiers: Orphanet 352, Orphanet 79237, MedGen C0268155, MONDO:0009255, OMIM 230200.

Submissions (7):

Foundation for Research in Genetics and Endocrinology, FRIGE's Institute of Human Genetics
Classification: Pathogenic for Deficiency of galactokinase. Last evaluated: 2025-10-25. Review status: criteria provided, single submitter. Criteria: ACMG Guidelines, 2015. Collection method: clinical testing. Allele origin: germline. Inheritance: Autosomal recessive inheritance. Affected: yes. Observed: 1 variant allele, 1 compound heterozygote.
Comment: A heterozygous single basepair deletion in exon 3 of the GALK1 gene was detected.This variant has not been reported in the 1000 genomes and gnomAD databases. This variant has previously been reported in patients with galactokinase deficiency (PMID:10570908). In summary, the variant meets our criteria to be classified as pathogenic.

Labcorp Genetics (formerly Invitae), Labcorp
Classification: Pathogenic for Deficiency of galactokinase. Last evaluated: 2025-10-13. Review status: criteria provided, single submitter. Criteria: Invitae Variant Classification Sherloc (09022015). Collection method: clinical testing. Allele origin: germline.
Comment: This sequence change creates a premature translational stop signal (p.Gly137Valfs*27) in the GALK1 gene. It is expected to result in an absent or disrupted protein product. Loss-of-function variants in GALK1 are known to be pathogenic (PMID: 7670469, 10790206). This variant is not present in population databases (gnomAD no frequency). This premature translational stop signal has been observed in individual(s) with GALK1-related conditions (PMID: 10570908, 20405025). ClinVar contains an entry for this variant (Variation ID: 552633). For these reasons, this variant has been classified as Pathogenic.

Natera, Inc.
Classification: Pathogenic for Deficiency of galactokinase. Last evaluated: 2025-06-12. Review status: criteria provided, single submitter. Criteria: Natera Variant Classification Schema (03/2026). Collection method: clinical testing. Allele origin: germline.
Comment: The c.410delG variant in GALK1 is a frameshift variant predicted to shift the reading frame beginning at codon 137 and leads to a stop codon 27 codons downstream. This variant is expected to result in nonsense mediated decay, truncation, or a dysfunctional protein product. This variant is rare in the general population with a frequency below the threshold expected for the associated phenotype(s). Functional studies show that this variant may disrupt protein function (PMID: 10570908). Given the available evidence, this variant is classified as Pathogenic.

CeGaT Center for Human Genetics Tuebingen
Classification: Pathogenic. Last evaluated: 2023-07-01. Review status: criteria provided, single submitter. Criteria: CeGaT Center For Human Genetics Tuebingen Variant Classification Criteria Version 2. Collection method: clinical testing. Allele origin: germline. Affected: yes. Observed: 2 variant alleles.
Comment: GALK1: PVS1, PM2, PM3, PP4

3billion
Classification: Pathogenic for Deficiency of galactokinase. Last evaluated: 2022-01-03. Review status: criteria provided, single submitter. Criteria: ACMG Guidelines, 2015. Collection method: clinical testing. Allele origin: germline. Affected: yes. Observed: 1 homozygote.
Comment: Frameshift: predicted to result in a loss or disruption of normal protein function through nonsense-mediated decay (NMD) or protein truncation. Multiple pathogenic variants are reported downstream of the variant (PVS1_VS). The variant has been reported at least twice as pathogenic/likely pathogenic with clinical assertions and evidence for the classification (ClinVar ID: VCV000552633, PMID:10570908). It is not observed in the gnomAD v2.1.1 dataset (PM2_M). Therefore, this variant is classified as pathogenic according to the recommendation of ACMG/AMP guideline.

Laboratory for Molecular Medicine, Mass General Brigham Personalized Medicine
Classification: Pathogenic for Deficiency of galactokinase. Last evaluated: 2018-09-17. Review status: criteria provided, single submitter. Criteria: ACMG Guidelines, 2015. Collection method: clinical testing. Allele origin: germline. Inheritance: Autosomal recessive inheritance.
Comment: The p.Gly137ValfsX27 variant in GALK1 has been reported in the homozygous state in 6 affected members of one Pakistani family with early-onset cataracts (Yasmeen 2010). It was absent from large population studies. This variant is predicted to cause a frameshift, which alters the protein’s amino acid sequence beginning at position 137 and leads to a premature termination codon 27 amino acids downstream. This alteration is then predicted to lead to a truncated or absent protein. In summary, this variant meets criteria to be classified as pathogenic for galactokinase deficiency in an autosomal recessive manner. ACMG/AMP criteria applied: PVS1_Strong, PP1_Strong, PM2, PM3_Supporting.

Counsyl
Classification: Likely pathogenic for Deficiency of galactokinase. Last evaluated: 2017-06-27. Review status: no assertion criteria provided. Collection method: clinical testing. Allele origin: unknown. Not counted in ClinVar's aggregate classification.

Literature cited by the submitters: PubMed 10570908 (cited by 6 submitters); PubMed 7670469 (cited by Labcorp Genetics (formerly Invitae), Labcorp); PubMed 10790206 (cited by Labcorp Genetics (formerly Invitae), Labcorp); PubMed 20405025 (cited by 3 submitters).